The following is an entry in ClinVar:

ClinVar aggregate classification (germline): Uncertain significance (1 of 4 stars; one submission).

Conditions:
Cardiomyopathy (CMYO). Also called: Cardiomyopathies. Identifiers: Orphanet 167848, MedGen C0878544, MONDO:0004994, HP:0001638. Inheritance: Various modes of inheritance.

gnomAD v4.1: 1 of 1,614,088 alleles (0.000062%); highest among the groups gnomAD compares: Non-Finnish European, 0.000085%; no homozygotes.

Submission:

Color Diagnostics, LLC DBA Color Health
Classification: Uncertain significance for Cardiomyopathy. Last evaluated: 2023-12-04. Review status: criteria provided, single submitter. Criteria: ACMG Guidelines, 2015. Collection method: clinical testing. Allele origin: germline.
Comment: This missense variant replaces glutamic acid with aspartic acid at codon 72 of the MYL2 protein. Computational prediction suggests that this variant may not impact protein structure and function (internally defined REVEL score threshold <= 0.5, PMID: 27666373). To our knowledge, functional studies have not been reported for this variant. This variant has not been reported in individuals affected with MYL2-related disorders in the literature. This variant has not been identified in the general population by the Genome Aggregation Database (gnomAD). The available evidence is insufficient to determine the role of this variant in disease conclusively. Therefore, this variant is classified as a Variant of Uncertain Significance.

NM_000432.4(MYL2):c.216G>C (p.Glu72Asp)

Gene: MYL2 (myosin light chain 2; minus strand). Cytogenetic location: 12q24.11.
Variant type: single nucleotide variant.
Coding change: c.216G>C on transcript NM_000432.4 (MANE Select); coding-DNA position 216, G replaced by C.
Protein change: p.Glu72Asp; replaces glutamic acid 72 with aspartic acid.
Molecular consequence: missense variant.
Genome position (GRCh38, 1-based): chr12:110,914,244, C>G on the plus strand (G>C on the coding strand, the complement: MYL2 is on the minus strand). VCF-style: chr12-110914244-C-G. GRCh37 (hg19) VCF-style: chr12-111352048-C-G.
Other names: short protein forms E72D.
Identifiers: ClinVar variation 926561 (VCV000926561.4), dbSNP rs376506450, ClinGen allele CA386698762.
Genomic context (GRCh38, chr12:110,914,244, plus strand): 5'-ACCCTTAAGTTTCTCCCCAAACATTGTGAGGAACACAGTAAAGTTAATTGGACCCGGAGC[C>G]TCCTTGATCATTTCATCAATTTCTTCATTTTTCACGTTCACTCGCCCTAGGGTAGGAAAC-3'
Protein context (NP_000423.2, residues 62-82): KNEEIDEMIK[Glu72Asp]APGPINFTVF